The following is an entry in ClinVar:

NM_001754.5(RUNX1):c.572G>A (p.Arg191Lys)

Genes: RUNX1 (RUNX family transcription factor 1; minus strand), RUNX1-AS1 (RUNX1 antisense RNA 1; plus strand). Cytogenetic location: 21q22.12.
Variant type: single nucleotide variant.
Coding change: c.572G>A on transcript NM_001754.5 (MANE Select); coding-DNA position 572, G replaced by A.
Protein change: p.Arg191Lys; replaces arginine 191 with lysine.
Molecular consequence: missense variant.
Genome position (GRCh38, 1-based): chr21:34,859,515, C>T on the plus strand (G>A on the coding strand, the complement: RUNX1 is on the minus strand). VCF-style: chr21-34859515-C-T. GRCh37 (hg19) VCF-style: chr21-36231812-C-T.
Other names: NM_001754.5(RUNX1):c.572G>A; p.Arg191Lys; c.491G>A, p.Arg164Lys (NM_001001890.3, NM_001122607.2); short protein forms R164K, R191K.
Identifiers: ClinVar variation 2716140 (VCV002716140.5), dbSNP rs2146235469, ClinGen allele CA410208022.

ClinVar aggregate classification (germline): Uncertain significance. Review status: reviewed by expert panel (3 of 4 stars). 3 submissions from 3 submitters: Uncertain significance (1). 2 of the submissions do not count toward it. Last evaluated 2024-09-12.

Conditions:
Inborn genetic diseases. Identifiers: MedGen C0950123, MeSH D030342.
Hereditary thrombocytopenia and hematological cancer predisposition syndrome associated with RUNX1. Also called: Familial Platelet Disorder with Propensity to Acute Myelogenous Leukemia; Familial thrombocytopenia with propensity to acute myelogenous leukemia; PLATELET DISORDER, ASPIRIN-LIKE; RUNX1 Familial Platelet Disorder with Associated Myeloid Malignancies. Identifiers: Orphanet 71290, MedGen C1832388, MeSH C563324, MONDO:0100083, OMIM 601399.
Hereditary thrombocytopenia and hematologic cancer predisposition syndrome. Identifiers: Orphanet 71290, MedGen CN281654, MONDO:0011071.

Submissions (3):

ClinGen Myeloid Malignancy Variant Curation Expert Panel
Classification: Uncertain significance for Hereditary thrombocytopenia and hematologic cancer predisposition syndrome. Last evaluated: 2024-09-12. Review status: reviewed by expert panel. Criteria: ClinGen MyeloMalig ACMG Specifications v2. Collection method: curation. Allele origin: germline. Inheritance: Autosomal dominant inheritance.
Comment: NM_001754.5(RUNX1):c.572G>A (p.Arg191Lys) is a missense variant which is located within the Runt Homology Domain (AA 89-204), but does not occur in an established hotspot residue (PM1_supporting). This variant is completely absent from all population databases with at least 20x coverage for RUNX1 (PM2_supporting). In summary, the clinical significance of this variant is uncertain. ACMG/AMP criteria applied, as specified by the Myeloid Malignancy Variant Curation Expert Panel for RUNX1: PM1_supporting, PM2_supporting.

Ambry Genetics
Classification: Uncertain significance for Inborn genetic diseases. Last evaluated: 2025-04-15. Review status: criteria provided, single submitter. Criteria: Ambry Variant Classification Scheme 2023. Collection method: clinical testing. Allele origin: germline. Not counted in ClinVar's aggregate classification.
Comment: The p.R191K variant (also known as c.572G>A), located in coding exon 5 of the RUNX1 gene, results from a G to A substitution at nucleotide position 572. The arginine at codon 191 is replaced by lysine, an amino acid with highly similar properties. This amino acid position is highly conserved in available vertebrate species. In addition, this alteration is predicted to be deleterious by in silico analysis. Based on the available evidence, the clinical significance of this variant remains unclear.

Labcorp Genetics (formerly Invitae), Labcorp
Classification: Uncertain significance for Hereditary thrombocytopenia and hematological cancer predisposition syndrome associated with RUNX1. Last evaluated: 2023-09-12. Review status: criteria provided, single submitter. Criteria: Invitae Variant Classification Sherloc (09022015). Collection method: clinical testing. Allele origin: germline. Not counted in ClinVar's aggregate classification.
Comment: This sequence change replaces arginine, which is basic and polar, with lysine, which is basic and polar, at codon 191 of the RUNX1 protein (p.Arg191Lys). This variant is not present in population databases (gnomAD no frequency). This variant has not been reported in the literature in individuals affected with RUNX1-related conditions. Advanced modeling of protein sequence and biophysical properties (such as structural, functional, and spatial information, amino acid conservation, physicochemical variation, residue mobility, and thermodynamic stability) has been performed at Invitae for this missense variant, however the output from this modeling did not meet the statistical confidence thresholds required to predict the impact of this variant on RUNX1 protein function. In summary, the available evidence is currently insufficient to determine the role of this variant in disease. Therefore, it has been classified as a Variant of Uncertain Significance.